The following is an entry in ClinVar:

ClinVar aggregate classification (germline): Uncertain significance. Review status: criteria provided, multiple submitters, no conflicts (2 of 4 stars). 3 submissions from 3 submitters: Uncertain significance (2). 1 of the submissions does not count toward it. Last evaluated 2025-10-15.

Conditions:
Autosomal recessive spastic paraplegia type 70 (SPG70). Identifiers: Orphanet 401835, MedGen C4749431, MONDO:0018422, OMIM 620323.
Charcot-Marie-Tooth disease axonal type 2U. Also called: CHARCOT-MARIE-TOOTH NEUROPATHY, TYPE 2U; CHARCOT-MARIE-TOOTH DISEASE, AXONAL, AUTOSOMAL DOMINANT, TYPE 2U. Identifiers: Orphanet 397735, MedGen C4084821, MONDO:0014566, OMIM 616280.
Severe early-onset pulmonary alveolar proteinosis due to MARS deficiency. Also called: PULMONARY ALVEOLAR PROTEINOSIS, REUNION ISLAND; Interstitial lung and liver disease. Identifiers: Orphanet 440427, MedGen C4225400, MONDO:0014206, OMIM 615486.

Allele frequency attached by ClinVar (database versions not stated): ExAC 0.00001; gnomAD exomes below 0.00001.
gnomAD v4.1: 6 of 1,614,166 alleles (0.00037%); highest among the groups gnomAD compares: Middle Eastern, 0.033%; no homozygotes.

Submissions (3):

Labcorp Genetics (formerly Invitae), Labcorp
Classification: Uncertain significance for Charcot-Marie-Tooth disease axonal type 2U; Severe early-onset pulmonary alveolar proteinosis due to MARS deficiency. Last evaluated: 2025-10-15. Review status: criteria provided, single submitter. Criteria: Invitae Variant Classification Sherloc (09022015). Collection method: clinical testing. Allele origin: germline.
Comment: This sequence change replaces valine, which is neutral and non-polar, with methionine, which is neutral and non-polar, at codon 5 of the MARS protein (p.Val5Met). This variant is present in population databases (rs587777227, gnomAD 0.0009%). This missense change has been observed in individual(s) with clinical features of Charcot-Marie-Tooth disease and autosomal recessive hereditary spastic paraplegia (PMID: 24482476; internal data). ClinVar contains an entry for this variant (Variation ID: 120186). An algorithm developed to predict the effect of missense changes on protein structure and function (PolyPhen-2) suggests that this variant is likely to be tolerated. In summary, the available evidence is currently insufficient to determine the role of this variant in disease. Therefore, it has been classified as a Variant of Uncertain Significance.

Mayo Clinic Laboratories, Mayo Clinic
Classification: Uncertain significance. Last evaluated: 2024-10-16. Review status: criteria provided, single submitter. Criteria: ACMG Guidelines, 2015. Collection method: clinical testing. Allele origin: germline. Observed: 1 variant allele.
Comment: PP3, PM2_supporting

OMIM
Classification: Pathogenic for SPASTIC PARAPLEGIA 70, AUTOSOMAL RECESSIVE. Last evaluated: 2014-01-31. Review status: no assertion criteria provided. Collection method: literature only. Allele origin: germline. Not counted in ClinVar's aggregate classification.

Literature cited by the submitters: PubMed 24482476 (cited by 3 submitters); PubMed 34426522 (cited by Mayo Clinic Laboratories, Mayo Clinic).

NM_004990.4(MARS1):c.13G>A (p.Val5Met)

Genes: ARHGAP9 (Rho GTPase activating protein 9; minus strand), MARS1 (methionyl-tRNA synthetase 1; plus strand). Cytogenetic location: 12q13.3.
Variant type: single nucleotide variant.
Coding change: c.13G>A on transcript NM_004990.4 (MANE Select); coding-DNA position 13, G replaced by A.
Protein change: p.Val5Met; replaces valine 5 with methionine.
Molecular consequence: missense variant. On other transcripts: intron variant (1).
Genome position (GRCh38, 1-based): chr12:57,488,103, G>A. VCF-style: chr12-57488103-G-A. GRCh37 (hg19) VCF-style: chr12-57881886-G-A.
Other names: p.Val5Met; c.-204+509C>T (NM_001319850.2); short protein forms V5M.
Identifiers: ClinVar variation 120186 (VCV000120186.13), dbSNP rs587777227, ClinGen allele CA230634.